The following is an entry in ClinVar:

NM_152419.3(HGSNAT):c.719del (p.Leu240fs)

Gene: HGSNAT (heparan-alpha-glucosaminide N-acetyltransferase; plus strand). Cytogenetic location: 8p11.21.
Variant type: Deletion.
Coding change: c.719del on transcript NM_152419.3 (MANE Select); coding-DNA position 719, one base deleted (T; older notation c.719delT).
Protein change: p.Leu240fs; shifts the reading frame from leucine 240.
Molecular consequence: frameshift variant. On other transcripts: 5 prime UTR variant (1).
Genome position (GRCh38, 1-based): chr8:43,170,670, T deleted. VCF-style (leftmost placement, unchanged base first): chr8-43170669-CT-C. GRCh37 (hg19) VCF-style: chr8-43025812-CT-C.
Other names: c.719del, p.Leu240fs (NM_001363227.2, NM_001363228.2); c.-115del (NM_001363229.2); short protein forms L240fs.
Identifiers: ClinVar variation 1352962 (VCV001352962.6), dbSNP rs2130746148, ClinGen allele CA2573143115.

ClinVar aggregate classification (germline): Pathogenic (1 of 4 stars; one submission).

Conditions:
Retinitis pigmentosa 73 (RP73). Identifiers: Orphanet 791, MedGen C4225287, MONDO:0014687, OMIM 616544.
Mucopolysaccharidosis, MPS-III-C (MPS3C). Also called: MPS IIIC (Sanfilippo Syndrome Type C); MUCOPOLYSACCHARIDOSIS, TYPE IIIC; Mucopolysaccharidosis type IIIC (Sanfilippo C); SANFILIPPO SYNDROME C; MPS III C; mucopolysaccharidosis type 3C. Identifiers: Orphanet 581, Orphanet 79271, MedGen C0086649, MONDO:0009657, OMIM 252930.

Submission:

Labcorp Genetics (formerly Invitae), Labcorp
Classification: Pathogenic for Retinitis pigmentosa 73; Mucopolysaccharidosis, MPS-III-C. Last evaluated: 2021-01-31. Review status: criteria provided, single submitter. Criteria: Invitae Variant Classification Sherloc (09022015). Collection method: clinical testing. Allele origin: germline.
Comment: This sequence change creates a premature translational stop signal (p.Leu240Profs*36) in the HGSNAT gene. It is expected to result in an absent or disrupted protein product. Loss-of-function variants in HGSNAT are known to be pathogenic (PMID: 17033958, 19479962). This variant is not present in population databases (ExAC no frequency). For these reasons, this variant has been classified as Pathogenic. This variant has not been reported in the literature in individuals with HGSNAT-related conditions.

Literature cited by the submitters: PubMed 17033958; PubMed 19479962.